The following is an entry in ClinVar:

ClinVar aggregate classification (germline): Uncertain significance (1 of 4 stars; one submission).

gnomAD v4.1: 1 of 1,592,614 alleles (0.000063%); no homozygotes.

Submission:

Labcorp Genetics (formerly Invitae), Labcorp
Classification: Uncertain significance. Last evaluated: 2025-02-20. Review status: criteria provided, single submitter. Criteria: Invitae Variant Classification Sherloc (09022015). Collection method: clinical testing. Allele origin: germline.
Comment: This sequence change replaces glutamic acid, which is acidic and polar, with lysine, which is basic and polar, at codon 297 of the DNAJC21 protein (p.Glu297Lys). This variant is not present in population databases (gnomAD no frequency). This variant has not been reported in the literature in individuals affected with DNAJC21-related conditions. An algorithm developed to predict the effect of missense changes on protein structure and function (PolyPhen-2) suggests that this variant is likely to be tolerated. In summary, the available evidence is currently insufficient to determine the role of this variant in disease. Therefore, it has been classified as a Variant of Uncertain Significance.

NM_001012339.3(DNAJC21):c.889G>A (p.Glu297Lys)

Gene: DNAJC21 (DnaJ heat shock protein family (Hsp40) member C21; plus strand). Cytogenetic location: 5p13.2.
Variant type: single nucleotide variant.
Coding change: c.889G>A on transcript NM_001012339.3 (MANE Select); coding-DNA position 889, G replaced by A.
Protein change: p.Glu297Lys; replaces glutamic acid 297 with lysine.
Molecular consequence: missense variant.
Genome position (GRCh38, 1-based): chr5:34,939,003, G>A. VCF-style: chr5-34939003-G-A. GRCh37 (hg19) VCF-style: chr5-34939108-G-A.
Other names: c.889G>A, p.Glu297Lys (NM_001348420.2, NM_194283.4); short protein forms E297K.
Identifiers: ClinVar variation 4768304 (VCV004768304.1).